The following is an entry in ClinVar:

ClinVar aggregate classification (germline): Uncertain significance (1 of 4 stars; one submission).

Submission:

Labcorp Genetics (formerly Invitae), Labcorp
Classification: Uncertain significance. Last evaluated: 2025-10-18. Review status: criteria provided, single submitter. Criteria: Invitae Variant Classification Sherloc (09022015). Collection method: clinical testing. Allele origin: germline.
Comment: This sequence change replaces methionine, which is neutral and non-polar, with valine, which is neutral and non-polar, at codon 1744 of the VPS13C protein (p.Met1744Val). This variant is not present in population databases (gnomAD no frequency). This variant has not been reported in the literature in individuals affected with VPS13C-related conditions. Invitae Evidence Modeling of protein sequence and biophysical properties (such as structural, functional, and spatial information, amino acid conservation, physicochemical variation, residue mobility, and thermodynamic stability) indicates that this missense variant is not expected to disrupt VPS13C protein function with a negative predictive value of 80%. In summary, the available evidence is currently insufficient to determine the role of this variant in disease. Therefore, it has been classified as a Variant of Uncertain Significance.

NM_020821.3(VPS13C):c.5230A>G (p.Met1744Val)

Gene: VPS13C (vacuolar protein sorting 13 homolog C; minus strand). Cytogenetic location: 15q22.2.
Variant type: single nucleotide variant.
Coding change: c.5230A>G on transcript NM_020821.3 (MANE Select); coding-DNA position 5230, A replaced by G.
Protein change: p.Met1744Val; replaces methionine 1744 with valine.
Molecular consequence: missense variant.
Genome position (GRCh38, 1-based): chr15:61,941,986, T>C on the plus strand (A>G on the coding strand, the complement: VPS13C is on the minus strand). VCF-style: chr15-61941986-T-C. GRCh37 (hg19) VCF-style: chr15-62234185-T-C.
Other names: c.5230A>G, p.Met1744Val (NM_001018088.3); c.5101A>G, p.Met1701Val (NM_017684.5, NM_018080.4); short protein forms M1701V, M1744V.
Identifiers: ClinVar variation 4761904 (VCV004761904.1).